The following is an entry in ClinVar:

ClinVar aggregate classification (germline): Uncertain significance. Review status: criteria provided, multiple submitters, no conflicts (2 of 4 stars). 3 submissions from 3 submitters: Uncertain significance (3). Last evaluated 2024-08-08.

Conditions:
Hereditary cancer-predisposing syndrome. Also called: Hereditary neoplastic syndrome; Tumor predisposition; Neoplastic Syndromes, Hereditary; Hereditary Cancer Syndrome. Identifiers: Orphanet 140162, MedGen C0027672, MeSH D009386, MONDO:0015356.

Allele frequency attached by ClinVar (database versions not stated): gnomAD exomes below 0.00001; ExAC 0.00001; gnomAD 0.00001; TOPMed 0.00002; ESP Exome Variant Server 0.00008.
gnomAD v4.1: 5 of 1,614,076 alleles (0.00031%); highest among the groups gnomAD compares: Non-Finnish European, 0.00034%; no homozygotes.

Submissions (3):

Ambry Genetics
Classification: Uncertain significance for Hereditary cancer-predisposing syndrome. Last evaluated: 2024-08-08. Review status: criteria provided, single submitter. Criteria: Ambry Variant Classification Scheme 2023. Collection method: clinical testing. Allele origin: germline.
Comment: The p.L128P variant (also known as c.383T>C), located in coding exon 3 of the XRCC2 gene, results from a T to C substitution at nucleotide position 383. The leucine at codon 128 is replaced by proline, an amino acid with similar properties. This amino acid position is well conserved in available vertebrate species. In addition, the in silico prediction for this alteration is inconclusive. Based on the available evidence, the clinical significance of this variant remains unclear.

Labcorp Genetics (formerly Invitae), Labcorp
Classification: Uncertain significance. Last evaluated: 2023-01-19. Review status: criteria provided, single submitter. Criteria: Invitae Variant Classification Sherloc (09022015). Collection method: clinical testing. Allele origin: germline.
Comment: In summary, the available evidence is currently insufficient to determine the role of this variant in disease. Therefore, it has been classified as a Variant of Uncertain Significance. Advanced modeling of protein sequence and biophysical properties (such as structural, functional, and spatial information, amino acid conservation, physicochemical variation, residue mobility, and thermodynamic stability) performed at Invitae indicates that this missense variant is expected to disrupt XRCC2 protein function. ClinVar contains an entry for this variant (Variation ID: 419483). This variant has not been reported in the literature in individuals affected with XRCC2-related conditions. This variant is present in population databases (rs143220835, gnomAD 0.0009%). This sequence change replaces leucine, which is neutral and non-polar, with proline, which is neutral and non-polar, at codon 128 of the XRCC2 protein (p.Leu128Pro).

GeneDx
Classification: Uncertain significance. Last evaluated: 2015-07-21. Review status: criteria provided, single submitter. Criteria: GeneDx Variant Classification (06012015). Collection method: clinical testing. Allele origin: germline. Affected: yes.
Comment: This variant is denoted XRCC2 c.383T>C at the cDNA level, p.Leu128Pro (L128P) at the protein level, and results in the change of a Leucine to a Proline (CTT>CCT). This variant has not, to our knowledge, been published in the literature as pathogenic or benign. XRCC2 Leu128Pro was not observed at a significant allele frequency in the NHLBI Exome Sequencing Project. Since Leucine and Proline differ in some properties, this is considered a semi-conservative amino acid substitution. XRCC2 Leu128Pro occurs at a position where amino acids with properties similar to Leucine are tolerated across species and is not located in a known functional domain (OÂ’Regan 2001). In silico analyses are inconsistent regarding the effect this variant may have on protein structure and function. Based on currently available information, it is unclear whether XRCC2 Leu128Pro is pathogenic or benign. We consider it to be a variant of uncertain significance.

NM_005431.2(XRCC2):c.383T>C (p.Leu128Pro)

Gene: XRCC2 (X-ray repair cross complementing 2; minus strand). Cytogenetic location: 7q36.1.
Variant type: single nucleotide variant.
Coding change: c.383T>C on transcript NM_005431.2 (MANE Select); coding-DNA position 383, T replaced by C.
Protein change: p.Leu128Pro; replaces leucine 128 with proline.
Molecular consequence: missense variant.
Genome position (GRCh38, 1-based): chr7:152,649,102, A>G on the plus strand (T>C on the coding strand, the complement: XRCC2 is on the minus strand). VCF-style: chr7-152649102-A-G. GRCh37 (hg19) VCF-style: chr7-152346187-A-G.
Other names: short protein forms L128P.
Identifiers: ClinVar variation 419483 (VCV000419483.17), dbSNP rs143220835, ClinGen allele CA4582352.